The following is an entry in ClinVar:

NM_000404.4(GLB1):c.1837_1838del (p.Pro613fs)

Gene: GLB1 (galactosidase beta 1; minus strand). Cytogenetic location: 3p22.3.
Variant type: Deletion.
Coding change: c.1837_1838del on transcript NM_000404.4 (MANE Select); coding-DNA positions 1837 to 1838, 2 bases deleted (CC; older notation c.1837_1838delCC).
Protein change: p.Pro613fs; shifts the reading frame from proline 613.
Molecular consequence: frameshift variant. On other transcripts: intron variant (1).
Genome position (GRCh38, 1-based): chr3:32,997,241-32,997,242, GG deleted on the plus strand (CC on the coding strand, the reverse complement: GLB1 is on the minus strand); deleting any 2 consecutive bases within chr3:32,997,241-32,997,244 gives the same sequence; the c. name uses the placement nearest the transcript's 3' end. VCF-style (leftmost placement, unchanged base first): chr3-32997240-TGG-T. GRCh37 (hg19) VCF-style: chr3-33038732-TGG-T.
Other names: c.1747_1748del, p.Pro583fs (NM_001079811.3); c.1444_1445del, p.Pro482fs (NM_001135602.3); c.1981_1982del, p.Pro661fs (NM_001317040.2); c.1734+16814_1734+16815del (NM_001393580.1); c.1837_1838delCC (NM_000404.3); c.1837_1838del (NM_000404.3); short protein forms P583fs, P613fs, P482fs, P661fs.
Identifiers: ClinVar variation 917629 (VCV000917629.2), dbSNP rs1696345066, ClinGen allele CA1139657921.

ClinVar aggregate classification (germline): Likely pathogenic. Review status: criteria provided, multiple submitters, no conflicts (2 of 4 stars). 2 submissions from 2 submitters: Likely pathogenic (2). Last evaluated 2025-09-25.

Conditions:
Mucopolysaccharidosis, MPS-IV-B (MPS4B). Also called: Mucopolysaccharidosis type IV B; Mucopolysaccharidosis Type IVB (Morquio B Disease); MORQUIO SYNDROME B; Mucopolysaccharidosis type 4B; Mucopolysaccharidosis Type IVB; Mucopolysaccharidosis type IVB (Morquio). Identifiers: Orphanet 309310, Orphanet 582, MedGen C0086652, MONDO:0009660, OMIM 253010.
GM1 gangliosidosis. Identifiers: Orphanet 354, MedGen C0085131, MONDO:0018149.

Submissions (2):

Natera, Inc.
Classification: Likely pathogenic for Mucopolysaccharidosis, MPS-IV-B. Last evaluated: 2025-09-25. Review status: criteria provided, single submitter. Criteria: Natera Variant Classification Schema (03/2026). Collection method: clinical testing. Allele origin: germline.
Comment: The c.1837_1838del variant in GLB1 is a frameshift variant predicted to shift the reading frame beginning at codon 613 and leads to a stop codon 16 codons downstream. This variant may result in a truncated or dysfunctional protein product. This variant is rare in the general population with a frequency below the threshold expected for the associated phenotype(s). This variant has been observed in one or more individuals affected with the associated recessive disease, as either homozygous or compound heterozygous with a second variant (PMID: 17221873). Given the available evidence, this variant is classified as Likely Pathogenic.

Women's Health and Genetics/Laboratory Corporation of America, LabCorp
Classification: Likely pathogenic for GM1 gangliosidosis. Last evaluated: 2020-01-29. Review status: criteria provided, single submitter. Criteria: LabCorp Variant Classification Summary - May 2015. Collection method: clinical testing. Allele origin: germline.
Comment: Variant summary: GLB1 c.1837_1838delCC (p.Pro613LysfsX16) results in a premature termination codon, predicted to cause a truncation of the encoded protein. The variant was absent in 249486 control chromosomes (gnomAD). The variant (also known as c.1835_1836delCC) has been reported in the literature in a compound heterozygous individual affected with GM1 gangliosidosis (Caciotti_2007). This report also noted unchanged mRNA levels and absence (or reduction) of GLB1 enzyme activity in patient derived fibroblasts. Truncations downstream of this position have been reported in affected individuals (HGMD). No clinical diagnostic laboratories have submitted clinical-significance assessments for this variant to ClinVar after 2014. Based on the evidence outlined above, the variant was classified as likely pathogenic.

Literature cited by the submitters: PubMed 17221873 (cited by Natera, Inc. and Women's Health and Genetics/Laboratory Corporation of America, LabCorp).